The following is an entry in ClinVar:

ClinVar aggregate classification (germline): Benign. Review status: criteria provided, multiple submitters, no conflicts (2 of 4 stars). 2 submissions from 2 submitters: Benign (2). Last evaluated 2018-06-14.

Allele frequency attached by ClinVar (database versions not stated): gnomAD exomes 0.31248; ESP Exome Variant Server 0.31866; 1000 Genomes Project 30x 0.32183; 1000 Genomes Project 0.32208; TOPMed 0.32729; ExAC 0.32876.
gnomAD v4.1: 426,641 of 1,364,208 alleles (31%); highest among the groups gnomAD compares: East Asian, 43%; 68,153 homozygotes.

Submissions (2):

GeneDx
Classification: Benign. Last evaluated: 2018-06-14. Review status: criteria provided, single submitter. Criteria: GeneDx Variant Classification (06012015). Collection method: clinical testing. Allele origin: germline. Affected: yes.
Comment: This variant is considered likely benign or benign based on one or more of the following criteria: it is a conservative change, it occurs at a poorly conserved position in the protein, it is predicted to be benign by multiple in silico algorithms, and/or has population frequency not consistent with disease.

Breakthrough Genomics
Classification: Benign. Review status: criteria provided, single submitter. Criteria: ACMG Guidelines, 2015. Collection method: not provided. Allele origin: germline. Inheritance: Autosomal recessive inheritance. Affected: yes.

NM_001244008.2(KIF1A):c.106+47G>T

Gene: KIF1A (kinesin family member 1A; minus strand). Cytogenetic location: 2q37.3.
Variant type: single nucleotide variant.
Coding change: c.106+47G>T on transcript NM_001244008.2 (MANE Select); 47 bases into the intron after coding-DNA position 106, G replaced by T.
Molecular consequence: intron variant.
Genome position (GRCh38, 1-based): chr2:240,797,600, C>A on the plus strand (G>T on the coding strand, the complement: KIF1A is on the minus strand). VCF-style: chr2-240797600-C-A. GRCh37 (hg19) VCF-style: chr2-241737017-C-A.
Other names: c.106+47G>T (NM_001379653.1, NM_001379650.1, NM_001379645.1 and 20 more transcripts).
Identifiers: ClinVar variation 682824 (VCV000682824.2), dbSNP rs10167412, ClinGen allele CA2208904.